The following is an entry in ClinVar:

NM_000064.4(C3):c.4216T>C (p.Ser1406Pro)

Gene: C3 (complement C3; minus strand). Cytogenetic location: 19p13.3.
Variant type: single nucleotide variant.
Coding change: c.4216T>C on transcript NM_000064.4 (MANE Select); coding-DNA position 4216, T replaced by C.
Protein change: p.Ser1406Pro; replaces serine 1406 with proline.
Molecular consequence: missense variant.
Genome position (GRCh38, 1-based): chr19:6,682,186, A>G on the plus strand (T>C on the coding strand, the complement: C3 is on the minus strand). VCF-style: chr19-6682186-A-G. GRCh37 (hg19) VCF-style: chr19-6682197-A-G.
Other names: short protein forms S1406P.
Identifiers: ClinVar variation 2967362 (VCV002967362.3), dbSNP rs1917881870, ClinGen allele CA403615425.

ClinVar aggregate classification (germline): Uncertain significance (1 of 4 stars; one submission).

Submission:

Labcorp Genetics (formerly Invitae), Labcorp
Classification: Uncertain significance. Last evaluated: 2022-11-01. Review status: criteria provided, single submitter. Criteria: Invitae Variant Classification Sherloc (09022015). Collection method: clinical testing. Allele origin: germline.
Comment: In summary, the available evidence is currently insufficient to determine the role of this variant in disease. Therefore, it has been classified as a Variant of Uncertain Significance. Advanced modeling of protein sequence and biophysical properties (such as structural, functional, and spatial information, amino acid conservation, physicochemical variation, residue mobility, and thermodynamic stability) performed at Invitae indicates that this missense variant is expected to disrupt C3 protein function. This variant has not been reported in the literature in individuals affected with C3-related conditions. This variant is not present in population databases (gnomAD no frequency). This sequence change replaces serine, which is neutral and polar, with proline, which is neutral and non-polar, at codon 1406 of the C3 protein (p.Ser1406Pro).